The following is an entry in ClinVar:

ClinVar aggregate classification (germline): Likely benign (0 of 4 stars; one submission).

Conditions:
FAAH2-related disorder. Also called: FAAH2-related condition.

Allele frequency attached by ClinVar (database versions not stated): ExAC 0.00011.
gnomAD v4.1: 30 of 1,209,915 alleles (0.0025%); highest among the groups gnomAD compares: Admixed American, 0.066%; no homozygotes.

Submission:

PreventionGenetics, part of Exact Sciences
Classification: Likely benign for FAAH2-related condition. Last evaluated: 2019-02-27. Review status: no assertion criteria provided. Collection method: clinical testing. Allele origin: germline.
Comment: This variant is classified as likely benign based on ACMG/AMP sequence variant interpretation guidelines (Richards et al. 2015 PMID: 25741868, with internal and published modifications).

NM_174912.4(FAAH2):c.492G>A (p.Lys164=)

Gene: FAAH2 (fatty acid amide hydrolase 2; plus strand). Cytogenetic location: Xp11.21.
Variant type: single nucleotide variant.
Coding change: c.492G>A on transcript NM_174912.4 (MANE Select); coding-DNA position 492, G replaced by A.
Protein change: p.Lys164=; no amino-acid change (lysine 164 retained).
Molecular consequence: synonymous variant. On other transcripts: non-coding transcript variant (2), intron variant (1).
Genome position (GRCh38, 1-based): chrX:57,331,677, G>A. VCF-style: chrX-57331677-G-A. GRCh37 (hg19) VCF-style: chrX-57358110-G-A.
Other names: c.492G>A, p.Lys164= (NM_001353840.1); c.413-9594G>A (NM_001353841.1).
Identifiers: ClinVar variation 3039659 (VCV003039659.2), dbSNP rs781669402, ClinGen allele CA10430627.
Genomic context (GRCh38, chrX:57,331,677, plus strand): 5'-ACTCATGAACCGTCGTGATGCCATTGCCAAAACAGATGCCACTGTGGTGGCATTACTGAA[G>A]GGAGCTGGTGCCATTCCTCTTGGCATAACCAACTGTAGTGAGTTGTGTATGTGGTATGAA-3'
Protein context (NP_777572.2, residues 154-174): KTDATVVALL[Lys164=]GAGAIPLGIT